The following is an entry in ClinVar:

NM_001013838.3(CARMIL2):c.2269C>T (p.Arg757Cys)

Gene: CARMIL2 (capping protein regulator and myosin 1 linker 2; plus strand). Cytogenetic location: 16q22.1.
Variant type: single nucleotide variant.
Coding change: c.2269C>T on transcript NM_001013838.3 (MANE Select); coding-DNA position 2269, C replaced by T.
Protein change: p.Arg757Cys; replaces arginine 757 with cysteine.
Molecular consequence: missense variant.
Genome position (GRCh38, 1-based): chr16:67,651,271, C>T. VCF-style: chr16-67651271-C-T. GRCh37 (hg19) VCF-style: chr16-67685174-C-T.
Other names: c.2161C>T, p.Arg721Cys (NM_001317026.3); short protein forms R757C, R721C.
Identifiers: ClinVar variation 1358339 (VCV001358339.7), dbSNP rs1437114526, ClinGen allele CA396340655.

ClinVar aggregate classification (germline): Uncertain significance. Review status: criteria provided, multiple submitters, no conflicts (2 of 4 stars). 2 submissions from 2 submitters: Uncertain significance (2). Last evaluated 2024-03-27.

Allele frequency attached by ClinVar (database versions not stated): gnomAD 0.00001; TOPMed 0.00001; gnomAD exomes 0.00002.
gnomAD v4.1: 26 of 1,613,474 alleles (0.0016%); highest among the groups gnomAD compares: East Asian, 0.0022%; no homozygotes.

Submissions (2):

Labcorp Genetics (formerly Invitae), Labcorp
Classification: Uncertain significance. Last evaluated: 2024-03-27. Review status: criteria provided, single submitter. Criteria: Invitae Variant Classification Sherloc (09022015). Collection method: clinical testing. Allele origin: germline.
Comment: This sequence change replaces arginine, which is basic and polar, with cysteine, which is neutral and slightly polar, at codon 757 of the CARMIL2 protein (p.Arg757Cys). This variant is present in population databases (no rsID available, gnomAD 0.06%). This variant has not been reported in the literature in individuals affected with CARMIL2-related conditions. ClinVar contains an entry for this variant (Variation ID: 1358339). Advanced modeling of protein sequence and biophysical properties (such as structural, functional, and spatial information, amino acid conservation, physicochemical variation, residue mobility, and thermodynamic stability) performed at Invitae indicates that this missense variant is not expected to disrupt CARMIL2 protein function with a negative predictive value of 80%. In summary, the available evidence is currently insufficient to determine the role of this variant in disease. Therefore, it has been classified as a Variant of Uncertain Significance.

Breakthrough Genomics
Classification: Uncertain significance. Review status: criteria provided, single submitter. Criteria: ACMG Guidelines, 2015. Collection method: not provided. Allele origin: germline. Inheritance: Autosomal recessive inheritance. Affected: yes.